The following is an entry in ClinVar:

ClinVar aggregate classification (germline): Uncertain significance. Review status: criteria provided, multiple submitters, no conflicts (2 of 4 stars). 2 submissions from 2 submitters: Uncertain significance (2). Last evaluated 2026-07-06.

Conditions:
Hereditary cancer-predisposing syndrome. Also called: Neoplastic Syndromes, Hereditary; Hereditary Cancer Syndrome; Tumor predisposition; Hereditary neoplastic syndrome. Identifiers: Orphanet 140162, MedGen C0027672, MeSH D009386, MONDO:0015356.
Gastrointestinal stromal tumor. Also called: Gastrointestinal stromal tumor, somatic; Gastrointestinal stroma tumor. Identifiers: Orphanet 44890, MedGen C0238198, MeSH D046152, MONDO:0011719, OMIM 606764, HP:0100723.

Allele frequency attached by ClinVar (database versions not stated): gnomAD exomes below 0.00001.
gnomAD v4.1: 1 of 1,613,982 alleles (0.000062%); highest among the groups gnomAD compares: Non-Finnish European, 0.000085%; no homozygotes.

Submissions (2):

Ambry Genetics
Classification: Uncertain significance for Hereditary cancer-predisposing syndrome. Last evaluated: 2026-07-06. Review status: criteria provided, single submitter. Criteria: Ambry Variant Classification Scheme 2023. Collection method: clinical testing. Allele origin: germline.
Comment: The p.I920V variant (also known as c.2758A>G), located in coding exon 20 of the KIT gene, results from an A to G substitution at nucleotide position 2758. The isoleucine at codon 920 is replaced by valine, an amino acid with highly similar properties. This amino acid position is conserved. In addition, this alteration is predicted to be tolerated by in silico analysis. Based on the available evidence, the clinical significance of this variant remains unclear.

Labcorp Genetics (formerly Invitae), Labcorp
Classification: Uncertain significance for Gastrointestinal stromal tumor. Last evaluated: 2023-09-10. Review status: criteria provided, single submitter. Criteria: Invitae Variant Classification Sherloc (09022015). Collection method: clinical testing. Allele origin: germline.
Comment: In summary, the available evidence is currently insufficient to determine the role of this variant in disease. Therefore, it has been classified as a Variant of Uncertain Significance. Algorithms developed to predict the effect of missense changes on protein structure and function output the following: SIFT: "Not Available"; PolyPhen-2: "Benign"; Align-GVGD: "Not Available". The valine amino acid residue is found in multiple mammalian species, which suggests that this missense change does not adversely affect protein function. ClinVar contains an entry for this variant (Variation ID: 409769). This variant has not been reported in the literature in individuals affected with KIT-related conditions. This variant is present in population databases (no rsID available, gnomAD 0.0009%). This sequence change replaces isoleucine, which is neutral and non-polar, with valine, which is neutral and non-polar, at codon 920 of the KIT protein (p.Ile920Val).

NM_000222.3(KIT):c.2758A>G (p.Ile920Val)

Gene: KIT (KIT proto-oncogene, receptor tyrosine kinase; plus strand). Cytogenetic location: 4q12.
Variant type: single nucleotide variant.
Coding change: c.2758A>G on transcript NM_000222.3 (MANE Select); coding-DNA position 2758, A replaced by G.
Protein change: p.Ile920Val; replaces isoleucine 920 with valine.
Molecular consequence: missense variant.
Genome position (GRCh38, 1-based): chr4:54,737,236, A>G. VCF-style: chr4-54737236-A-G. GRCh37 (hg19) VCF-style: chr4-55603402-A-G.
Other names: c.2746A>G, p.Ile916Val (NM_001093772.2, NM_001385292.1); c.2761A>G, p.Ile921Val (NM_001385284.1); c.2755A>G, p.Ile919Val (NM_001385285.1); c.2743A>G, p.Ile915Val (NM_001385286.1); c.2749A>G, p.Ile917Val (NM_001385288.1); c.2758A>G, p.Ile920Val (NM_001385290.1); short protein forms I920V, I916V, I915V, I917V, I919V, I921V.
Identifiers: ClinVar variation 409769 (VCV000409769.10), dbSNP rs1060502562, ClinGen allele CA16611701.